The following is an entry in ClinVar:

NM_003072.5(SMARCA4):c.1988A>G (p.Glu663Gly)

Gene: SMARCA4 (SWI/SNF related BAF chromatin remodeling complex subunit ATPase 4; plus strand). Cytogenetic location: 19p13.2.
Variant type: single nucleotide variant.
Coding change: c.1988A>G on transcript NM_003072.5 (MANE Select); coding-DNA position 1988, A replaced by G.
Protein change: p.Glu663Gly; replaces glutamic acid 663 with glycine.
Molecular consequence: missense variant. On other transcripts: non-coding transcript variant (1).
Genome position (GRCh38, 1-based): chr19:11,003,384, A>G. VCF-style: chr19-11003384-A-G. GRCh37 (hg19) VCF-style: chr19-11114060-A-G.
Other names: c.1988A>G, p.Glu663Gly (NM_001128844.3, NM_001128845.2, NM_001128846.2 and 5 more transcripts); c.1988A>G (NM_001128849.1); short protein forms E663G.
Identifiers: ClinVar variation 1352069 (VCV001352069.9), dbSNP rs2146109504, ClinGen allele CA404052268.

ClinVar aggregate classification (germline): Uncertain significance. Review status: criteria provided, multiple submitters, no conflicts (2 of 4 stars). 2 submissions from 2 submitters: Uncertain significance (2). Last evaluated 2025-02-09.

Conditions:
Hereditary cancer-predisposing syndrome. Also called: Neoplastic Syndromes, Hereditary; Tumor predisposition; Hereditary neoplastic syndrome; Hereditary Cancer Syndrome. Identifiers: Orphanet 140162, MedGen C0027672, MeSH D009386, MONDO:0015356.
Rhabdoid tumor predisposition syndrome 2 (RTPS2). Identifiers: Orphanet 231108, Orphanet 69077, MedGen C2750074, MONDO:0013224, OMIM 613325.

Allele frequency attached by ClinVar (database versions not stated): gnomAD exomes below 0.00001.
gnomAD v4.1: 1 of 1,614,014 alleles (0.000062%); highest among the groups gnomAD compares: Non-Finnish European, 0.000085%; no homozygotes.

Submissions (2):

Ambry Genetics
Classification: Uncertain significance for Hereditary cancer-predisposing syndrome. Last evaluated: 2025-02-09. Review status: criteria provided, single submitter. Criteria: Ambry Variant Classification Scheme 2023. Collection method: clinical testing. Allele origin: germline.
Comment: The p.E663G variant (also known as c.1988A>G), located in coding exon 12 of the SMARCA4 gene, results from an A to G substitution at nucleotide position 1988. The glutamic acid at codon 663 is replaced by glycine, an amino acid with similar properties. This amino acid position is conserved. In addition, this alteration is predicted to be tolerated by in silico analysis. Based on the available evidence, the clinical significance of this variant remains unclear.

Labcorp Genetics (formerly Invitae), Labcorp
Classification: Uncertain significance for Rhabdoid tumor predisposition syndrome 2. Last evaluated: 2021-05-07. Review status: criteria provided, single submitter. Criteria: Invitae Variant Classification Sherloc (09022015). Collection method: clinical testing. Allele origin: germline.
Comment: This sequence change replaces glutamic acid with glycine at codon 663 of the SMARCA4 protein (p.Glu663Gly). The glutamic acid residue is highly conserved and there is a moderate physicochemical difference between glutamic acid and glycine. In summary, the available evidence is currently insufficient to determine the role of this variant in disease. Therefore, it has been classified as a Variant of Uncertain Significance. Algorithms developed to predict the effect of missense changes on protein structure and function are either unavailable or do not agree on the potential impact of this missense change (SIFT: "Deleterious"; PolyPhen-2: "Benign"; Align-GVGD: "Class C15"). This variant has not been reported in the literature in individuals with SMARCA4-related conditions. This variant is not present in population databases (ExAC no frequency).